The following is an entry in ClinVar:

NM_025132.4(WDR19):c.748T>C (p.Ser250Pro)

Gene: WDR19 (WD repeat domain 19; plus strand). Cytogenetic location: 4p14.
Variant type: single nucleotide variant.
Coding change: c.748T>C on transcript NM_025132.4 (MANE Select); coding-DNA position 748, T replaced by C.
Protein change: p.Ser250Pro; replaces serine 250 with proline.
Molecular consequence: missense variant.
Genome position (GRCh38, 1-based): chr4:39,205,594, T>C. VCF-style: chr4-39205594-T-C. GRCh37 (hg19) VCF-style: chr4-39207214-T-C.
Other names: c.268T>C, p.Ser90Pro (NM_001317924.2); short protein forms S250P, S90P.
Identifiers: ClinVar variation 4793283 (VCV004793283.2).

ClinVar aggregate classification (germline): Conflicting classifications of pathogenicity. Review status: criteria provided, conflicting classifications (1 of 4 stars). 2 submissions from 2 submitters: Likely pathogenic (1); Uncertain significance (1). Last evaluated 2025-04-26.

Conditions:
WDR19-related disorder. Also called: WDR19-related condition; WDR19-related disorders. Identifiers: MedGen CN380161.
Asphyxiating thoracic dystrophy 5 (SRTD5). Also called: SHORT-RIB THORACIC DYSPLASIA 5 WITH OR WITHOUT POLYDACTYLY; SHORT-RIB THORACIC DYSPLASIA 5 WITHOUT POLYDACTYLY. Identifiers: Orphanet 474, MedGen C3280598, MONDO:0013717, OMIM 614376.
Senior-Loken syndrome 8 (SLSN8). Identifiers: Orphanet 3156, MedGen C4225376, MONDO:0014579, OMIM 616307.

gnomAD v4.1: 3 of 1,613,576 alleles (0.00019%); highest among the groups gnomAD compares: Non-Finnish European, 0.00025%; no homozygotes.

Submissions (2):

Labcorp Genetics (formerly Invitae), Labcorp
Classification: Uncertain significance for Senior-Loken syndrome 8; Asphyxiating thoracic dystrophy 5. Last evaluated: 2025-04-26. Review status: criteria provided, single submitter. Criteria: Invitae Variant Classification Sherloc (09022015). Collection method: clinical testing. Allele origin: germline.
Comment: This sequence change replaces serine, which is neutral and polar, with proline, which is neutral and non-polar, at codon 250 of the WDR19 protein (p.Ser250Pro). This variant is present in population databases (rs767505839, gnomAD no frequency). This variant has not been reported in the literature in individuals affected with WDR19-related conditions. Invitae Evidence Modeling of protein sequence and biophysical properties (such as structural, functional, and spatial information, amino acid conservation, physicochemical variation, residue mobility, and thermodynamic stability) has been performed for this missense variant. However, the output from this modeling did not meet the statistical confidence thresholds required to predict the impact of this variant on WDR19 protein function. In summary, the available evidence is currently insufficient to determine the role of this variant in disease. Therefore, it has been classified as a Variant of Uncertain Significance.

Blueprint Genetics
Classification: Likely pathogenic for WDR19-related disorders. Last evaluated: 2024-11-12. Review status: criteria provided, single submitter. Criteria: ACMG Guidelines, 2015. Collection method: clinical testing. Allele origin: germline. Affected: yes. Observed: 4 variant alleles.